The following is an entry in ClinVar:

ClinVar aggregate classification (germline): Uncertain significance (1 of 4 stars; one submission).

Submission:

Dasa
Classification: Uncertain significance. Last evaluated: 2025-05-12. Review status: criteria provided, single submitter. Criteria: DASA Assertion Criteria. Collection method: clinical testing. Allele origin: germline.
Comment: NM_002336.3(LRP6):c.2582C>G (p.Thr861Ser) is a missense variant that results in the substitution of threonine with serine. This variant is absent from population databases. The currently available literature and clinical evidence are not sufficient to establish a definitive association between this variant and the reported condition. Therefore, this variant is classified as a variant of uncertain significance.

NM_002336.3(LRP6):c.2582C>G (p.Thr861Ser)

Gene: LRP6 (LDL receptor related protein 6; minus strand). Cytogenetic location: 12p13.2.
Variant type: single nucleotide variant.
Coding change: c.2582C>G on transcript NM_002336.3 (MANE Select); coding-DNA position 2582, C replaced by G.
Protein change: p.Thr861Ser; replaces threonine 861 with serine.
Molecular consequence: missense variant. On other transcripts: non-coding transcript variant (1).
Genome position (GRCh38, 1-based): chr12:12,159,038, G>C on the plus strand (C>G on the coding strand, the complement: LRP6 is on the minus strand). VCF-style: chr12-12159038-G-C. GRCh37 (hg19) VCF-style: chr12-12311972-G-C.
Other names: c.2582C>G, p.Thr861Ser (NM_001414244.1, NM_001414245.1, NM_001414246.1 and 4 more transcripts); c.2384C>G, p.Thr795Ser (NM_001414247.1); c.2129C>G, p.Thr710Ser (NM_001414252.1, NM_001414253.1, NM_001414254.1); c.2075C>G, p.Thr692Ser (NM_001414255.1); short protein forms T692S, T710S, T795S, T861S.
Identifiers: ClinVar variation 4882735 (VCV004882735.2).